The following is an entry in ClinVar:

ClinVar aggregate classification (germline): Likely benign (1 of 4 stars; one submission).

Submission:

CeGaT Center for Human Genetics Tuebingen
Classification: Likely benign. Last evaluated: 2022-12-01. Review status: criteria provided, single submitter. Criteria: CeGaT Center For Human Genetics Tuebingen Variant Classification Criteria Version 2. Collection method: clinical testing. Allele origin: germline. Affected: yes. Observed: 1 variant allele.
Comment: ASS1: PM2:Supporting, BP4, BP7

NM_054012.4(ASS1):c.510C>A (p.Pro170=)

Gene: ASS1 (argininosuccinate synthase 1; plus strand). Cytogenetic location: 9q34.11.
Variant type: single nucleotide variant.
Coding change: c.510C>A on transcript NM_054012.4 (MANE Select); coding-DNA position 510, C replaced by A.
Protein change: p.Pro170=; no amino-acid change (proline 170 retained).
Molecular consequence: synonymous variant.
Genome position (GRCh38, 1-based): chr9:130,470,848, C>A. VCF-style: chr9-130470848-C-A. GRCh37 (hg19) VCF-style: chr9-133346235-C-A.
Other names: c.510C>A, p.Pro170= (NM_000050.4).
Identifiers: ClinVar variation 2659610 (VCV002659610.24), dbSNP rs2490564782, ClinGen allele CA467389187.